The following is an entry in ClinVar:

NM_020806.5(GPHN):c.844A>G (p.Ile282Val)

Gene: GPHN (gephyrin; plus strand). Cytogenetic location: 14q23.3.
Variant type: single nucleotide variant.
Coding change: c.844A>G on transcript NM_020806.5 (MANE Select); coding-DNA position 844, A replaced by G.
Protein change: p.Ile282Val; replaces isoleucine 282 with valine.
Molecular consequence: missense variant.
Genome position (GRCh38, 1-based): chr14:66,965,206, A>G. VCF-style: chr14-66965206-A-G. GRCh37 (hg19) VCF-style: chr14-67431923-A-G.
Other names: c.745A>G, p.Ile249Val (NM_001024218.2, NM_001377515.1, NM_001377516.1 and 2 more transcripts); c.784A>G, p.Ile262Val (NM_001377514.1, NM_001377519.1); short protein forms I249V, I262V, I282V.
Identifiers: ClinVar variation 2038231 (VCV002038231.4), dbSNP rs934987371, ClinGen allele CA263291854.
Genomic context (GRCh38, chr14:66,965,206, plus strand): 5'-TTGACATTTTCAGAATATTAAACCATAGTTGTTCCCCTTGTTCAGATTCCAGACTCCATC[A>G]TTTCTCGTGGTGTTCAGGTGCTCCCACGAGACACAGCCTCCCTCAGCACTACTCCTTCAG-3'
Protein context (NP_065857.1, residues 272-292): STDERIPDSI[Ile282Val]SRGVQVLPRD

ClinVar aggregate classification (germline): Uncertain significance (1 of 4 stars; one submission).

Conditions:
Sulfite oxidase deficiency due to molybdenum cofactor deficiency type C. Also called: Molybdenum cofactor deficiency C; Molybdenum cofactor deficiency, complementation group C. Identifiers: Orphanet 308400, Orphanet 833, MedGen C1854990, MONDO:0014212, OMIM 615501.

Allele frequency attached by ClinVar (database versions not stated): gnomAD exomes 0.00001; TOPMed below 0.00001.
gnomAD v4.1: 19 of 1,612,062 alleles (0.0012%); highest among the groups gnomAD compares: Non-Finnish European, 0.0015%; no homozygotes.

Submission:

Labcorp Genetics (formerly Invitae), Labcorp
Classification: Uncertain significance for Sulfite oxidase deficiency due to molybdenum cofactor deficiency type C. Last evaluated: 2022-08-23. Review status: criteria provided, single submitter. Criteria: Invitae Variant Classification Sherloc (09022015). Collection method: clinical testing. Allele origin: germline.
Comment: This sequence change replaces isoleucine, which is neutral and non-polar, with valine, which is neutral and non-polar, at codon 282 of the GPHN protein (p.Ile282Val). This variant is not present in population databases (gnomAD no frequency). This variant has not been reported in the literature in individuals affected with GPHN-related conditions. Algorithms developed to predict the effect of missense changes on protein structure and function are either unavailable or do not agree on the potential impact of this missense change (SIFT: "Deleterious"; PolyPhen-2: "Probably Damaging"; Align-GVGD: "Class C0"). In summary, the available evidence is currently insufficient to determine the role of this variant in disease. Therefore, it has been classified as a Variant of Uncertain Significance.